The following is an entry in ClinVar:

ClinVar aggregate classification (germline): Uncertain significance. Review status: criteria provided, multiple submitters, no conflicts (2 of 4 stars). 2 submissions from 2 submitters: Uncertain significance (2). Last evaluated 2023-07-10.

Allele frequency attached by ClinVar (database versions not stated): 1000 Genomes Project 30x 0.00016.
gnomAD v4.1: 8 of 1,614,000 alleles (0.0005%); highest among the groups gnomAD compares: South Asian, 0.0022%; no homozygotes.

Submissions (2):

Labcorp Genetics (formerly Invitae), Labcorp
Classification: Uncertain significance. Last evaluated: 2023-07-10. Review status: criteria provided, single submitter. Criteria: Invitae Variant Classification Sherloc (09022015). Collection method: clinical testing. Allele origin: germline.
Comment: The frequency data for this variant in the population databases is considered unreliable, as metrics indicate poor data quality at this position in the gnomAD database. This variant has not been reported in the literature in individuals affected with HYOU1-related conditions. This sequence change replaces isoleucine, which is neutral and non-polar, with valine, which is neutral and non-polar, at codon 747 of the HYOU1 protein (p.Ile747Val). In summary, the available evidence is currently insufficient to determine the role of this variant in disease. Therefore, it has been classified as a Variant of Uncertain Significance. An algorithm developed to predict the effect of missense changes on protein structure and function (PolyPhen-2) suggests that this variant is likely to be tolerated. ClinVar contains an entry for this variant (Variation ID: 2303341).

Ambry Genetics
Classification: Uncertain significance. Last evaluated: 2022-07-26. Review status: criteria provided, single submitter. Criteria: Ambry Variant Classification Scheme 2023. Collection method: clinical testing. Allele origin: germline.

NM_006389.5(HYOU1):c.2239A>G (p.Ile747Val)

Gene: HYOU1 (hypoxia up-regulated 1; minus strand). Cytogenetic location: 11q23.3.
Variant type: single nucleotide variant.
Coding change: c.2239A>G on transcript NM_006389.5 (MANE Select); coding-DNA position 2239, A replaced by G.
Protein change: p.Ile747Val; replaces isoleucine 747 with valine.
Molecular consequence: missense variant.
Genome position (GRCh38, 1-based): chr11:119,048,490, T>C on the plus strand (A>G on the coding strand, the complement: HYOU1 is on the minus strand). VCF-style: chr11-119048490-T-C. GRCh37 (hg19) VCF-style: chr11-118919202-T-C.
Other names: c.2239A>G, p.Ile747Val (NM_001130991.3, NM_001411041.1); short protein forms I747V.
Identifiers: ClinVar variation 2303341 (VCV002303341.5), dbSNP rs200405558, ClinGen allele CA229618894.